The following is an entry in ClinVar:

ClinVar aggregate classification (germline): Uncertain significance (1 of 4 stars; one submission).

Submission:

Labcorp Genetics (formerly Invitae), Labcorp
Classification: Uncertain significance. Last evaluated: 2024-10-21. Review status: criteria provided, single submitter. Criteria: Invitae Variant Classification Sherloc (09022015). Collection method: clinical testing. Allele origin: germline.
Comment: This sequence change replaces aspartic acid, which is acidic and polar, with glutamic acid, which is acidic and polar, at codon 584 of the ARMC9 protein (p.Asp584Glu). This variant is not present in population databases (gnomAD no frequency). This variant has not been reported in the literature in individuals affected with ARMC9-related conditions. ClinVar contains an entry for this variant (Variation ID: 2094180). Experimental studies and prediction algorithms are not available or were not evaluated, and the functional significance of this variant is currently unknown. In summary, the available evidence is currently insufficient to determine the role of this variant in disease. Therefore, it has been classified as a Variant of Uncertain Significance.

NM_001352754.2(ARMC9):c.1752T>A (p.Asp584Glu)

Gene: ARMC9 (armadillo repeat containing 9; plus strand). Cytogenetic location: 2q37.1.
Variant type: single nucleotide variant.
Coding change: c.1752T>A on transcript NM_001352754.2 (MANE Select); coding-DNA position 1752, T replaced by A.
Protein change: p.Asp584Glu; replaces aspartic acid 584 with glutamic acid.
Molecular consequence: missense variant. On other transcripts: non-coding transcript variant (1).
Genome position (GRCh38, 1-based): chr2:231,296,232, T>A. VCF-style: chr2-231296232-T-A. GRCh37 (hg19) VCF-style: chr2-232160945-T-A.
Other names: c.1752T>A, p.Asp584Glu (NM_001271466.4, NM_001291656.2, NM_001352755.2 and 3 more transcripts); c.1653T>A, p.Asp551Glu (NM_001352757.2, NM_001352758.2); short protein forms D551E, D584E.
Identifiers: ClinVar variation 2094180 (VCV002094180.4), dbSNP rs2469852310, ClinGen allele CA350957945.